The following is an entry in ClinVar:

NM_000135.4(FANCA):c.4346C>G (p.Ser1449Cys)

Genes: FANCA (FA complementation group A; minus strand), ZNF276 (zinc finger protein 276; plus strand). Cytogenetic location: 16q24.3.
Variant type: single nucleotide variant.
Coding change: c.4346C>G on transcript NM_000135.4 (MANE Select); coding-DNA position 4346, C replaced by G.
Protein change: p.Ser1449Cys; replaces serine 1449 with cysteine.
Molecular consequence: missense variant. On other transcripts: 3 prime UTR variant (3), non-coding transcript variant (4).
Genome position (GRCh38, 1-based): chr16:89,738,623, G>C on the plus strand (C>G on the coding strand, the complement: FANCA is on the minus strand). VCF-style: chr16-89738623-G-C. GRCh37 (hg19) VCF-style: chr16-89805031-G-C.
Other names: c.*75C>G (NM_001286167.3); c.*377G>C (NM_001113525.2, NM_152287.4); short protein forms S1449C.
Identifiers: ClinVar variation 1494738 (VCV001494738.10), dbSNP rs779236651, ClinGen allele CA397482994.

ClinVar aggregate classification (germline): Uncertain significance. Review status: criteria provided, multiple submitters, no conflicts (2 of 4 stars). 3 submissions from 3 submitters: Uncertain significance (3). Last evaluated 2025-10-05.

Conditions:
Fanconi anemia (FA). Also called: Fanconi's anemia. Identifiers: Orphanet 84, MedGen C0015625, MeSH D005199, MONDO:0019391.
Inborn genetic diseases. Identifiers: MedGen C0950123, MeSH D030342.

Submissions (3):

Ambry Genetics
Classification: Uncertain significance for Inborn genetic diseases. Last evaluated: 2025-10-05. Review status: criteria provided, single submitter. Criteria: Ambry Variant Classification Scheme 2023. Collection method: clinical testing. Allele origin: germline.
Comment: The p.S1449C variant (also known as c.4346C>G), located in coding exon 43 of the FANCA gene, results from a C to G substitution at nucleotide position 4346. The serine at codon 1449 is replaced by cysteine, an amino acid with dissimilar properties. This amino acid position is conserved. In addition, this alteration is predicted to be tolerated by in silico analysis. Based on the available evidence, the clinical significance of this variant remains unclear.

Quest Diagnostics Nichols Institute San Juan Capistrano
Classification: Uncertain significance. Last evaluated: 2022-09-12. Review status: criteria provided, single submitter. Criteria: Quest Diagnostics criteria. Collection method: clinical testing. Allele origin: unknown.
Comment: This variant has not been reported in the published literature. It also has not been reported in large, multi-ethnic general populations. Analysis of this variant using bioinformatics tools for the prediction of the effect of amino acid changes on protein structure and function yielded predictions that this variant is benign. Based on the available information, we are unable to determine the clinical significance of this variant.

Labcorp Genetics (formerly Invitae), Labcorp
Classification: Uncertain significance for Fanconi anemia. Last evaluated: 2021-05-13. Review status: criteria provided, single submitter. Criteria: Invitae Variant Classification Sherloc (09022015). Collection method: clinical testing. Allele origin: germline.
Comment: This sequence change replaces serine with cysteine at codon 1449 of the FANCA protein (p.Ser1449Cys). The serine residue is weakly conserved and there is a moderate physicochemical difference between serine and cysteine. This variant is not present in population databases (ExAC no frequency). This variant has not been reported in the literature in individuals with FANCA-related conditions. Advanced modeling of protein sequence and biophysical properties (such as structural, functional, and spatial information, amino acid conservation, physicochemical variation, residue mobility, and thermodynamic stability) performed at Invitae indicates that this missense variant is not expected to disrupt FANCA protein function. In summary, the available evidence is currently insufficient to determine the role of this variant in disease. Therefore, it has been classified as a Variant of Uncertain Significance.